The following is an entry in ClinVar:

ClinVar aggregate classification (germline): Benign. Review status: criteria provided, multiple submitters, no conflicts (2 of 4 stars). 2 submissions from 2 submitters: Benign (2). Last evaluated 2026-01-18.

Conditions:
Hypertrophic cardiomyopathy. Also called: HYPERTROPHIC MYOCARDIOPATHY. Identifiers: Orphanet 217569, MedGen C0007194, MeSH D002312, MONDO:0005045, HP:0001639.

Allele frequency attached by ClinVar (database versions not stated): gnomAD exomes 0.00343 and 0.00122; ExAC 0.00365; 1000 Genomes Project 30x 0.00671; 1000 Genomes Project 0.00739; ESP Exome Variant Server 0.00008; gnomAD 0.00097 and 0.00161; TOPMed 0.00209.
gnomAD v4.1: 2,028 of 1,612,760 alleles (0.13%); highest among the groups gnomAD compares: East Asian, 3.7%; 44 homozygotes.

Submissions (2):

Labcorp Genetics (formerly Invitae), Labcorp
Classification: Benign for Hypertrophic cardiomyopathy. Last evaluated: 2026-01-18. Review status: criteria provided, single submitter. Criteria: Invitae Variant Classification Sherloc (09022015). Collection method: clinical testing. Allele origin: germline.

Laboratory for Molecular Medicine, Mass General Brigham Personalized Medicine
Classification: Benign. Last evaluated: 2014-11-24. Review status: criteria provided, single submitter. Criteria: LMM Criteria. Collection method: clinical testing. Allele origin: germline. Observed: 2 variant alleles.
Comment: 1112-11T>C in intron 7 of MYOM1: This variant is not expected to have clinical s ignificance because it has been identified in 7.2% (14/194) of Han Chinese chrom osomes from a broad population by the 1000 Genomes Project (.; dbSNP rs59555146).

NM_003803.4(MYOM1):c.1112-11T>C

Gene: MYOM1 (myomesin 1; minus strand). Cytogenetic location: 18p11.31.
Variant type: single nucleotide variant.
Coding change: c.1112-11T>C on transcript NM_003803.4 (MANE Select); 11 bases into the intron before coding-DNA position 1112, T replaced by C.
Molecular consequence: intron variant.
Genome position (GRCh38, 1-based): chr18:3,174,011, A>G on the plus strand (T>C on the coding strand, the complement: MYOM1 is on the minus strand). VCF-style: chr18-3174011-A-G. GRCh37 (hg19) VCF-style: chr18-3174009-A-G.
Other names: c.1112-11T>C (NM_019856.2).
Identifiers: ClinVar variation 226797 (VCV000226797.14), dbSNP rs59555146, ClinGen allele CA8875046.